The following is an entry in ClinVar:

NM_001458.5(FLNC):c.5842+260G>C

Genes: FLNC (filamin C; plus strand), FLNC-AS1 (FLNC antisense RNA 1; minus strand). Cytogenetic location: 7q32.1.
Variant type: single nucleotide variant.
Coding change: c.5842+260G>C on transcript NM_001458.5 (MANE Select); 260 bases into the intron after coding-DNA position 5842, G replaced by C.
Molecular consequence: intron variant.
Genome position (GRCh38, 1-based): chr7:128,851,888, G>C. VCF-style: chr7-128851888-G-C. GRCh37 (hg19) VCF-style: chr7-128491942-G-C.
Other names: c.5743+260G>C (NM_001127487.2).
Identifiers: ClinVar variation 668761 (VCV000668761.1), dbSNP rs3778758, ClinGen allele CA12619181.
Genomic context (GRCh38, chr7:128,851,888, plus strand): 5'-CTGAAAACACATTGCCTCATTTAGTCTTTGAAGTCATTTGTTTTGTTTTTGTTTTTGAGA[G>C]GGAGTCTTGCTCTGTCACCCAGGCTGGAGTACAGTGGCACGATCTCGGCTCACTGCAACC-3'

ClinVar aggregate classification (germline): Benign (1 of 4 stars; one submission).

Allele frequency attached by ClinVar (database versions not stated): 1000 Genomes Project 0.26138; 1000 Genomes Project 30x 0.26202; TOPMed 0.17765.
gnomAD v4.1: 24,610 of 152,186 alleles (16%); highest among the groups gnomAD compares: African/African-American, 38%; 3,668 homozygotes.

Submission:

GeneDx
Classification: Benign. Last evaluated: 2018-06-18. Review status: criteria provided, single submitter. Criteria: GeneDx Variant Classification (06012015). Collection method: clinical testing. Allele origin: germline. Affected: yes.
Comment: This variant is considered likely benign or benign based on one or more of the following criteria: it is a conservative change, it occurs at a poorly conserved position in the protein, it is predicted to be benign by multiple in silico algorithms, and/or has population frequency not consistent with disease.